The following is an entry in ClinVar:

NM_005546.4(ITK):c.160T>A (p.Ser54Thr)

Gene: ITK (IL2 inducible T cell kinase; plus strand). Cytogenetic location: 5q33.3.
Variant type: single nucleotide variant.
Coding change: c.160T>A on transcript NM_005546.4 (MANE Select); coding-DNA position 160, T replaced by A.
Protein change: p.Ser54Thr; replaces serine 54 with threonine.
Molecular consequence: missense variant.
Genome position (GRCh38, 1-based): chr5:157,208,910, T>A. VCF-style: chr5-157208910-T-A. GRCh37 (hg19) VCF-style: chr5-156635921-T-A.
Other names: short protein forms S54T.
Identifiers: ClinVar variation 1974754 (VCV001974754.5), dbSNP rs752258747, ClinGen allele CA3532649.

ClinVar aggregate classification (germline): Uncertain significance (1 of 4 stars; one submission).

Conditions:
Lymphoproliferative syndrome 1 (LPFS1). Identifiers: Orphanet 238505, Orphanet 538963, MedGen C3552634, MONDO:0013081, OMIM 613011.

Allele frequency attached by ClinVar (database versions not stated): ExAC 0.00001; gnomAD exomes 0.00001; TOPMed 0.00001; gnomAD 0.00002.
gnomAD v4.1: 21 of 1,613,506 alleles (0.0013%); highest among the groups gnomAD compares: Non-Finnish European, 0.0017%; no homozygotes.

Submission:

Labcorp Genetics (formerly Invitae), Labcorp
Classification: Uncertain significance for Lymphoproliferative syndrome 1. Last evaluated: 2023-08-17. Review status: criteria provided, single submitter. Criteria: Invitae Variant Classification Sherloc (09022015). Collection method: clinical testing. Allele origin: germline.
Comment: This variant is present in population databases (rs752258747, gnomAD 0.0009%). This sequence change replaces serine, which is neutral and polar, with threonine, which is neutral and polar, at codon 54 of the ITK protein (p.Ser54Thr). This variant has not been reported in the literature in individuals affected with ITK-related conditions. ClinVar contains an entry for this variant (Variation ID: 1974754). Advanced modeling of protein sequence and biophysical properties (such as structural, functional, and spatial information, amino acid conservation, physicochemical variation, residue mobility, and thermodynamic stability) performed at Invitae indicates that this missense variant is not expected to disrupt ITK protein function. In summary, the available evidence is currently insufficient to determine the role of this variant in disease. Therefore, it has been classified as a Variant of Uncertain Significance.